The following is an entry in ClinVar:

NM_017534.6(MYH2):c.2399G>C (p.Gly800Ala)

Genes: MYH2 (myosin heavy chain 2; minus strand), MYHAS (myosin heavy chain gene cluster antisense RNA; plus strand). Cytogenetic location: 17p13.1.
Variant type: single nucleotide variant.
Coding change: c.2399G>C on transcript NM_017534.6 (MANE Select); coding-DNA position 2399, G replaced by C.
Protein change: p.Gly800Ala; replaces glycine 800 with alanine.
Molecular consequence: missense variant.
Genome position (GRCh38, 1-based): chr17:10,533,327, C>G on the plus strand (G>C on the coding strand, the complement: MYH2 is on the minus strand). VCF-style: chr17-10533327-C-G. GRCh37 (hg19) VCF-style: chr17-10436644-C-G.
Other names: c.2399G>C, p.Gly800Ala (NM_001100112.2); short protein forms G800A.
Identifiers: ClinVar variation 1390318 (VCV001390318.8), dbSNP rs1270329583, ClinGen allele CA398148066.

ClinVar aggregate classification (germline): Uncertain significance (1 of 4 stars; one submission).

Conditions:
Myopathy, proximal, and ophthalmoplegia (CMYO6). Also called: INCLUSION BODY MYOPATHY 3, AUTOSOMAL DOMINANT; CONGENITAL MYOPATHY 6 WITH OPHTHALMOPLEGIA; MYOPATHY WITH CONGENITAL JOINT CONTRACTURES, OPHTHALMOPLEGIA, AND RIMMED VACUOLES. Identifiers: Orphanet 363677, Orphanet 79091, MedGen C1854106, MONDO:0011577, OMIM 605637.

Allele frequency attached by ClinVar (database versions not stated): gnomAD exomes below 0.00001; TOPMed 0.00001.
gnomAD v4.1: 1 of 1,614,216 alleles (0.000062%); highest among the groups gnomAD compares: Non-Finnish European, 0.000085%; no homozygotes.

Submission:

Labcorp Genetics (formerly Invitae), Labcorp
Classification: Uncertain significance for Myopathy, proximal, and ophthalmoplegia. Last evaluated: 2024-03-03. Review status: criteria provided, single submitter. Criteria: Invitae Variant Classification Sherloc (09022015). Collection method: clinical testing. Allele origin: germline.
Comment: This sequence change replaces glycine, which is neutral and non-polar, with alanine, which is neutral and non-polar, at codon 800 of the MYH2 protein (p.Gly800Ala). This variant is not present in population databases (gnomAD no frequency). This variant has not been reported in the literature in individuals affected with MYH2-related conditions. ClinVar contains an entry for this variant (Variation ID: 1390318). Advanced modeling of protein sequence and biophysical properties (such as structural, functional, and spatial information, amino acid conservation, physicochemical variation, residue mobility, and thermodynamic stability) has been performed at Invitae for this missense variant, however the output from this modeling did not meet the statistical confidence thresholds required to predict the impact of this variant on MYH2 protein function. In summary, the available evidence is currently insufficient to determine the role of this variant in disease. Therefore, it has been classified as a Variant of Uncertain Significance.